The following is an entry in ClinVar:

NM_001242896.3(DEPDC5):c.3515C>A (p.Thr1172Asn)

Gene: DEPDC5 (DEP domain containing 5, GATOR1 subcomplex subunit; plus strand). Cytogenetic location: 22q12.3.
Variant type: single nucleotide variant.
Coding change: c.3515C>A on transcript NM_001242896.3 (MANE Select); coding-DNA position 3515, C replaced by A.
Protein change: p.Thr1172Asn; replaces threonine 1172 with asparagine.
Molecular consequence: missense variant. On other transcripts: non-coding transcript variant (4).
Genome position (GRCh38, 1-based): chr22:31,873,284, C>A. VCF-style: chr22-31873284-C-A. GRCh37 (hg19) VCF-style: chr22-32269270-C-A.
Other names: c.3488C>A, p.Thr1163Asn (NM_001136029.4); c.3215C>A, p.Thr1072Asn (NM_001242897.2); c.3449C>A, p.Thr1150Asn (NM_001363852.2, NM_001364320.2); c.3281C>A, p.Thr1094Asn (NM_001363854.2, NM_001364319.2); c.3515C>A, p.Thr1172Asn (NM_001364318.2); c.3431C>A, p.Thr1144Asn (NM_001369901.1, NM_001369902.1); c.3422C>A, p.Thr1141Asn (NM_001369903.1, NM_014662.6); short protein forms T1072N, T1172N, T1150N, T1163N, T1141N, T1094N, T1144N.
Identifiers: ClinVar variation 466482 (VCV000466482.54), dbSNP rs865860087, ClinGen allele CA323336692.

ClinVar aggregate classification (germline): Uncertain significance. Review status: criteria provided, multiple submitters, no conflicts (2 of 4 stars). 7 submissions from 7 submitters: Uncertain significance (6). 1 of the submissions does not count toward it. Last evaluated 2024-12-28.

Conditions:
Familial focal epilepsy with variable foci (FPEVF). Identifiers: Orphanet 98820, MedGen C1858477, MONDO:0020310.
Epilepsy, familial focal, with variable foci 1 (FFEVF1). Also called: DEPDC5-Related Epilepsy. Identifiers: MedGen C4551983, MONDO:0024556, OMIM 604364.
Inborn genetic diseases. Identifiers: MedGen C0950123, MeSH D030342.

Allele frequency attached by ClinVar (database versions not stated): gnomAD exomes below 0.00001; gnomAD 0.00001; TOPMed 0.00002.
gnomAD v4.1: 15 of 1,613,980 alleles (0.00093%); highest among the groups gnomAD compares: African/African-American, 0.012%; no homozygotes.

Submissions (7):

Labcorp Genetics (formerly Invitae), Labcorp
Classification: Uncertain significance for Familial focal epilepsy with variable foci. Last evaluated: 2024-12-28. Review status: criteria provided, single submitter. Criteria: Invitae Variant Classification Sherloc (09022015). Collection method: clinical testing. Allele origin: germline.
Comment: This sequence change replaces threonine, which is neutral and polar, with asparagine, which is neutral and polar, at codon 1172 of the DEPDC5 protein (p.Thr1172Asn). This variant is present in population databases (no rsID available, gnomAD 0.003%). This missense change has been observed in individual(s) with epilepsy (PMID: 36539902, 36703223). ClinVar contains an entry for this variant (Variation ID: 466482). Experimental studies and prediction algorithms are not available or were not evaluated, and the functional significance of this variant is currently unknown. In summary, the available evidence is currently insufficient to determine the role of this variant in disease. Therefore, it has been classified as a Variant of Uncertain Significance.

Revvity Omics, Revvity
Classification: Uncertain significance. Last evaluated: 2022-05-20. Review status: criteria provided, single submitter. Criteria: ACMG Guidelines, 2015. Collection method: clinical testing. Allele origin: germline.

Ambry Genetics
Classification: Uncertain significance for Inborn genetic diseases. Last evaluated: 2022-01-26. Review status: criteria provided, single submitter. Criteria: Ambry Variant Classification Scheme 2023. Collection method: clinical testing. Allele origin: germline.

CeGaT Center for Human Genetics Tuebingen
Classification: Uncertain significance. Last evaluated: 2021-04-01. Review status: criteria provided, single submitter. Criteria: CeGaT Center For Human Genetics Tuebingen Variant Classification Criteria Version 2. Collection method: clinical testing. Allele origin: germline. Affected: yes. Observed: 1 variant allele.

Dubai Health Genomic Medicine Center, Dubai Health
Classification: Uncertain significance for Epilepsy, familial focal, with variable foci 1. Last evaluated: 2021-02-03. Review status: criteria provided, single submitter. Criteria: ACMG Guidelines, 2015. Collection method: clinical testing. Allele origin: germline. Affected: yes.
Comment: The p.Thr1172Asn missense variant in DEPDC5 has not been previously reported in individuals with disease and was absent from large population studies such as the Genome Aggregation Database (gnomAD) and the Greater Middle East (GME) variome database. Computational prediction tools and conservation analyses do not provide evidence for or against pathogenicity. In summary additional information is needed to fully assess the clinical significance of this variant.

Blueprint Genetics
Classification: Uncertain significance. Last evaluated: 2018-09-24. Review status: criteria provided, single submitter. Criteria: ACMG Guidelines, 2015. Collection method: clinical testing. Allele origin: germline.

GeneDx
Classification: Likely benign. Last evaluated: 2019-06-28. Review status: flagged submission. Criteria: GeneDx Variant Classification Process June 2021. Collection method: clinical testing. Allele origin: germline. Affected: yes. Not counted in ClinVar's aggregate classification.
Comment: Not observed at a significant frequency in large population cohorts (Lek et al., 2016); In silico analysis, which includes protein predictors and evolutionary conservation, supports that this variant does not alter protein structure/function; Has not been previously published as pathogenic or benign to our knowledge
ClinVar note: Reason: Older claim that does not account for recent evidence

Literature cited by the submitters: PubMed 36539902 (cited by Labcorp Genetics (formerly Invitae), Labcorp); PubMed 36703223 (cited by Labcorp Genetics (formerly Invitae), Labcorp).